The following is an entry in ClinVar:

ClinVar aggregate classification (germline): Pathogenic (1 of 4 stars; one submission).

Conditions:
Neurofibromatosis, type 1 (NF1). Also called: VON RECKLINGHAUSEN DISEASE; Neurofibromatosis, type I; Peripheral type neurofibromatosis; NEUROFIBROMATOSIS, TYPE I, SOMATIC. Identifiers: Orphanet 636, MedGen C0027831, MONDO:0018975, OMIM 162200. Disease mechanism: loss of function.

Submission:

Labcorp Genetics (formerly Invitae), Labcorp
Classification: Pathogenic for Neurofibromatosis, type 1. Last evaluated: 2023-08-28. Review status: criteria provided, single submitter. Criteria: Invitae Variant Classification Sherloc (09022015). Collection method: clinical testing. Allele origin: unknown.
Comment: This variant is a gross deletion of the genomic region encompassing exon(s) 36-57 of the NF1 gene, which includes the termination codon. This deletion extends beyond the assayed region for this gene and therefore may encompass additional genes. While this deletion is not anticipated to lead to nonsense mediated decay, it is expected to alter mRNA translation or result in a truncated protein product. For these reasons, this variant has been classified as Pathogenic. This variant disrupts the p.Arg1809 amino acid residue in NF1. Other variant(s) that disrupt this residue have been determined to be pathogenic (PMID: 10607834, 10980545, 12807981, 24357598, 26178382). This suggests that this residue is clinically significant, and that variants that disrupt this residue are likely to be disease-causing. A similar copy number variant has been observed in individuals with neurofibromatosis type 1 (Invitae).

Literature cited by the submitters: PubMed 10607834; PubMed 10980545; PubMed 12807981; PubMed 24357598; PubMed 26178382.

NC_000017.10:g.(?_29652828)_(29701173_?)del

Gene: NF1 (neurofibromin 1; plus strand). Cytogenetic location: 17q11.2.
Variant type: Deletion.
Identifiers: ClinVar variation 3242869 (VCV003242869.1).